The following is an entry in ClinVar:

ClinVar aggregate classification (germline): Pathogenic (1 of 4 stars; one submission).

Submission:

Labcorp Genetics (formerly Invitae), Labcorp
Classification: Pathogenic. Last evaluated: 2026-01-16. Review status: criteria provided, single submitter. Criteria: Invitae Variant Classification Sherloc (09022015). Collection method: clinical testing. Allele origin: germline.
Comment: This sequence change creates a premature translational stop signal (p.Trp296*) in the TSEN54 gene. It is expected to result in an absent or disrupted protein product. Loss-of-function variants in TSEN54 are known to be pathogenic (PMID: 18711368, 20952379). This variant is not present in population databases (gnomAD no frequency). This variant has not been reported in the literature in individuals affected with TSEN54-related conditions. ClinVar contains an entry for this variant (Variation ID: 2879232). For these reasons, this variant has been classified as Pathogenic.

Literature cited by the submitters: PubMed 18711368; PubMed 20952379.

NM_207346.3(TSEN54):c.887G>A (p.Trp296Ter)

Gene: TSEN54 (tRNA splicing endonuclease subunit 54; plus strand). Cytogenetic location: 17q25.1.
Variant type: single nucleotide variant.
Coding change: c.887G>A on transcript NM_207346.3 (MANE Select); coding-DNA position 887, G replaced by A.
Protein change: p.Trp296Ter; replaces tryptophan 296 with a stop codon.
Molecular consequence: nonsense.
Genome position (GRCh38, 1-based): chr17:75,521,968, G>A. VCF-style: chr17-75521968-G-A. GRCh37 (hg19) VCF-style: chr17-73518049-G-A.
Other names: short protein forms W296*.
Identifiers: ClinVar variation 2879232 (VCV002879232.3), dbSNP rs2546156923, ClinGen allele CA401029374.